The following is an entry in ClinVar:

NM_002470.4(MYH3):c.4760T>C (p.Leu1587Pro)

Gene: MYH3 (myosin heavy chain 3; minus strand). Cytogenetic location: 17p13.1.
Variant type: single nucleotide variant.
Coding change: c.4760T>C on transcript NM_002470.4 (MANE Select); coding-DNA position 4760, T replaced by C.
Protein change: p.Leu1587Pro; replaces leucine 1587 with proline.
Molecular consequence: missense variant.
Genome position (GRCh38, 1-based): chr17:10,632,672, A>G on the plus strand (T>C on the coding strand, the complement: MYH3 is on the minus strand). VCF-style: chr17-10632672-A-G. GRCh37 (hg19) VCF-style: chr17-10535989-A-G.
Other names: c.4760T>C (NM_002470.3); short protein forms L1587P.
Identifiers: ClinVar variation 1970695 (VCV001970695.7), dbSNP rs748925984, ClinGen allele CA8392131.
Genomic context (GRCh38, chr17:10,632,672, plus strand): 5'-CGCACCTCGGCGTCCAGGGCGCTCTGCATGGTTTCCACTGTTCTCTGGTAGTTCCTCTTC[A>G]GCTGCTCGATCTCTTCATCCTTCTCGGCGATCTTTCTATCAATTTCTGATTTCACTTGTG-3'
Protein context (NP_002461.2, residues 1577-1597): IAEKDEEIEQ[Leu1587Pro]KRNYQRTVET

ClinVar aggregate classification (germline): Uncertain significance. Review status: criteria provided, multiple submitters, no conflicts (2 of 4 stars). 2 submissions from 2 submitters: Uncertain significance (2). Last evaluated 2023-05-10.

Conditions:
Inborn genetic diseases. Identifiers: MedGen C0950123, MeSH D030342.

Allele frequency attached by ClinVar (database versions not stated): gnomAD 0.00001; TOPMed 0.00001; gnomAD exomes below 0.00001; ExAC 0.00001.
gnomAD v4.1: 3 of 1,613,974 alleles (0.00019%); highest among the groups gnomAD compares: East Asian, 0.0067%; no homozygotes.

Submissions (2):

Ambry Genetics
Classification: Uncertain significance for Inborn genetic diseases. Last evaluated: 2023-05-10. Review status: criteria provided, single submitter. Criteria: Ambry Variant Classification Scheme 2023. Collection method: clinical testing. Allele origin: germline.

Labcorp Genetics (formerly Invitae), Labcorp
Classification: Uncertain significance. Last evaluated: 2022-07-02. Review status: criteria provided, single submitter. Criteria: Invitae Variant Classification Sherloc (09022015). Collection method: clinical testing. Allele origin: germline.
Comment: In summary, the available evidence is currently insufficient to determine the role of this variant in disease. Therefore, it has been classified as a Variant of Uncertain Significance. Algorithms developed to predict the effect of missense changes on protein structure and function are either unavailable or do not agree on the potential impact of this missense change (SIFT: "Deleterious"; PolyPhen-2: "Benign"; Align-GVGD: "Class C65"). This variant has not been reported in the literature in individuals affected with MYH3-related conditions. This variant is present in population databases (rs748925984, gnomAD 0.02%). This sequence change replaces leucine, which is neutral and non-polar, with proline, which is neutral and non-polar, at codon 1587 of the MYH3 protein (p.Leu1587Pro).